The following is an entry in ClinVar:

NM_032043.3(BRIP1):c.2828T>C (p.Val943Ala)

Gene: BRIP1 (BRCA1 interacting DNA helicase 1; minus strand). Cytogenetic location: 17q23.2.
Variant type: single nucleotide variant.
Coding change: c.2828T>C on transcript NM_032043.3 (MANE Select); coding-DNA position 2828, T replaced by C.
Protein change: p.Val943Ala; replaces valine 943 with alanine.
Molecular consequence: missense variant.
Genome position (GRCh38, 1-based): chr17:61,685,913, A>G on the plus strand (T>C on the coding strand, the complement: BRIP1 is on the minus strand). VCF-style: chr17-61685913-A-G. GRCh37 (hg19) VCF-style: chr17-59763274-A-G.
Other names: short protein forms V943A.
Identifiers: ClinVar variation 188203 (VCV000188203.14), dbSNP rs786204143, ClinGen allele CA334304.

ClinVar aggregate classification (germline): Uncertain significance. Review status: criteria provided, multiple submitters, no conflicts (2 of 4 stars). 2 submissions from 2 submitters: Uncertain significance (2). Last evaluated 2025-12-14.

Conditions:
Familial cancer of breast. Also called: BREAST CANCER, FAMILIAL; Hereditary breast cancer; hereditary breast carcinoma. Identifiers: Orphanet 227535, MedGen C0346153, MONDO:0016419, OMIM 114480. Disease mechanism: loss of function.
Fanconi anemia complementation group J. Also called: BRIP1-Related Fanconi Anemia. Identifiers: Orphanet 84, MedGen C1836860, MONDO:0012187, OMIM 609054.
Hereditary cancer-predisposing syndrome. Also called: Hereditary Cancer Syndrome; Neoplastic Syndromes, Hereditary; Tumor predisposition; Hereditary neoplastic syndrome. Identifiers: Orphanet 140162, MedGen C0027672, MeSH D009386, MONDO:0015356.

Allele frequency attached by ClinVar (database versions not stated): gnomAD exomes 0.00001.
gnomAD v4.1: 10 of 1,614,082 alleles (0.00062%); highest among the groups gnomAD compares: Non-Finnish European, 0.00085%; no homozygotes.

Submissions (2):

Labcorp Genetics (formerly Invitae), Labcorp
Classification: Uncertain significance for Familial cancer of breast; Fanconi anemia complementation group J. Last evaluated: 2025-12-14. Review status: criteria provided, single submitter. Criteria: Invitae Variant Classification Sherloc (09022015). Collection method: clinical testing. Allele origin: germline.
Comment: This sequence change replaces valine, which is neutral and non-polar, with alanine, which is neutral and non-polar, at codon 943 of the BRIP1 protein (p.Val943Ala). This variant is not present in population databases (gnomAD no frequency). This variant has not been reported in the literature in individuals affected with BRIP1-related conditions. ClinVar contains an entry for this variant (Variation ID: 188203). Invitae Evidence Modeling of protein sequence and biophysical properties (such as structural, functional, and spatial information, amino acid conservation, physicochemical variation, residue mobility, and thermodynamic stability) indicates that this missense variant is not expected to disrupt BRIP1 protein function with a negative predictive value of 95%. In summary, the available evidence is currently insufficient to determine the role of this variant in disease. Therefore, it has been classified as a Variant of Uncertain Significance.

Ambry Genetics
Classification: Uncertain significance for Hereditary cancer-predisposing syndrome. Last evaluated: 2025-02-15. Review status: criteria provided, single submitter. Criteria: Ambry Variant Classification Scheme 2023. Collection method: clinical testing. Allele origin: germline.
Comment: The p.V943A variant (also known as c.2828T>C), located in coding exon 18 of the BRIP1 gene, results from a T to C substitution at nucleotide position 2828. The valine at codon 943 is replaced by alanine, an amino acid with similar properties. This amino acid position is well conserved in available vertebrate species. In addition, this alteration is predicted to be tolerated by in silico analysis. Since supporting evidence is limited at this time, the clinical significance of this alteration remains unclear.